The following is an entry in ClinVar:

ClinVar aggregate classification (germline): Pathogenic. Review status: criteria provided, multiple submitters, no conflicts (2 of 4 stars). 2 submissions from 2 submitters: Pathogenic (2). Last evaluated 2026-01-28.

Conditions:
Glycogen storage disease, type II (IOPD). Also called: CARDIOMEGALIA GLYCOGENICA DIFFUSA; Glucosidase acid-1,4-alpha deficiency; GLYCOGENOSIS, GENERALIZED, CARDIAC FORM; GSD II; Glycogen storage disease type 2; Acid maltase deficiency disease. Identifiers: Orphanet 365, MedGen C0017921, MONDO:0009290, OMIM 232300.

Submissions (2):

Labcorp Genetics (formerly Invitae), Labcorp
Classification: Pathogenic for Glycogen storage disease, type II. Last evaluated: 2026-01-28. Review status: criteria provided, single submitter. Criteria: Invitae Variant Classification Sherloc (09022015). Collection method: clinical testing. Allele origin: germline.
Comment: This sequence change creates a premature translational stop signal (p.Val510Alafs*6) in the GAA gene. It is expected to result in an absent or disrupted protein product. Loss-of-function variants in GAA are known to be pathogenic (PMID: 18425781, 22252923). This variant is not present in population databases (gnomAD no frequency). This variant has not been reported in the literature in individuals affected with GAA-related conditions. Algorithms developed to predict the effect of sequence changes on RNA splicing suggest that this variant may disrupt the consensus splice site. For these reasons, this variant has been classified as Pathogenic.

Women's Health and Genetics/Laboratory Corporation of America, LabCorp
Classification: Pathogenic for Glycogen storage disease, type II. Last evaluated: 2025-10-02. Review status: criteria provided, single submitter. Criteria: LabCorp Variant Classification Summary - May 2015. Collection method: clinical testing. Allele origin: germline.
Comment: Variant summary: GAA c.1529_1541del13 (p.Val510AlafsX6) results in a premature termination codon, predicted to cause a truncation of the encoded protein or absence of the protein due to nonsense mediated decay, which are commonly known mechanisms for disease. The variant was absent in 251226 control chromosomes. To our knowledge, no occurrence of c.1529_1541del13 in individuals affected with GAA-related conditions and no experimental evidence demonstrating its impact on protein function have been reported. No submitters have cited clinical-significance assessments for this variant to ClinVar. Based on the evidence outlined above, the variant was classified as pathogenic.

Literature cited by the submitters: PubMed 18425781 (cited by Labcorp Genetics (formerly Invitae), Labcorp); PubMed 22252923 (cited by Labcorp Genetics (formerly Invitae), Labcorp).

NM_000152.5(GAA):c.1529_1541del (p.Val510fs)

Gene: GAA (alpha glucosidase; plus strand). Cytogenetic location: 17q25.3.
Variant type: Deletion.
Coding change: c.1529_1541del on transcript NM_000152.5 (MANE Select); coding-DNA positions 1529 to 1541, 13 bases deleted (TGCCCTTCGACGG).
Protein change: p.Val510fs; shifts the reading frame from valine 510.
Molecular consequence: frameshift variant.
Genome position (GRCh38, 1-based): chr17:80,110,818-80,110,830, TGCCCTTCGACGG deleted; deleting any 13 consecutive bases within chr17:80,110,816-80,110,830 gives the same sequence; the c. name uses the placement nearest the transcript's 3' end. VCF-style (leftmost placement, unchanged base first): chr17-80110815-AGGTGCCCTTCGAC-A. GRCh37 (hg19) VCF-style: chr17-78084614-AGGTGCCCTTCGAC-A.
Other names: c.1529_1541del13 (NM_000152.5); c.1529_1541del, p.Val510fs (NM_001079803.3, NM_001079804.3, NM_001406741.1 and 1 more transcripts); short protein forms V510fs.
Identifiers: ClinVar variation 4687615 (VCV004687615.2).